The following is an entry in ClinVar:

NM_000553.6(WRN):c.1639T>C (p.Ser547Pro)

Gene: WRN (WRN RecQ like helicase; plus strand). Cytogenetic location: 8p12.
Variant type: single nucleotide variant.
Coding change: c.1639T>C on transcript NM_000553.6 (MANE Select); coding-DNA position 1639, T replaced by C.
Protein change: p.Ser547Pro; replaces serine 547 with proline.
Molecular consequence: missense variant.
Genome position (GRCh38, 1-based): chr8:31,088,952, T>C. VCF-style: chr8-31088952-T-C. GRCh37 (hg19) VCF-style: chr8-30946468-T-C.
Other names: short protein forms S547P.
Identifiers: ClinVar variation 1057266 (VCV001057266.5), dbSNP rs1455599932, ClinGen allele CA370926483.

ClinVar aggregate classification (germline): Uncertain significance (1 of 4 stars; one submission).

Conditions:
Werner syndrome (WRN). Identifiers: Orphanet 902, MedGen C0043119, MONDO:0010196, OMIM 277700.

Allele frequency attached by ClinVar (database versions not stated): gnomAD exomes below 0.00001.
gnomAD v4.1: 3 of 1,610,914 alleles (0.00019%); highest among the groups gnomAD compares: Non-Finnish European, 0.000085%; no homozygotes.

Submission:

Labcorp Genetics (formerly Invitae), Labcorp
Classification: Uncertain significance for Werner syndrome. Last evaluated: 2023-04-20. Review status: criteria provided, single submitter. Criteria: Invitae Variant Classification Sherloc (09022015). Collection method: clinical testing. Allele origin: germline.
Comment: In summary, the available evidence is currently insufficient to determine the role of this variant in disease. Therefore, it has been classified as a Variant of Uncertain Significance. An algorithm developed to predict the effect of missense changes on protein structure and function (PolyPhen-2) suggests that this variant is likely to be tolerated. ClinVar contains an entry for this variant (Variation ID: 1057266). This variant has not been reported in the literature in individuals affected with WRN-related conditions. This variant is not present in population databases (gnomAD no frequency). This sequence change replaces serine, which is neutral and polar, with proline, which is neutral and non-polar, at codon 547 of the WRN protein (p.Ser547Pro).